The following is an entry in ClinVar:

ClinVar aggregate classification (germline): Uncertain significance (1 of 4 stars; one submission).

Submission:

Ambry Genetics
Classification: Uncertain significance. Last evaluated: 2026-04-19. Review status: criteria provided, single submitter. Criteria: Ambry Variant Classification Scheme 2023. Collection method: clinical testing. Allele origin: germline.
Comment: The p.K544N variant (also known as c.1632G>C), located in coding exon 16 of the SRP72 gene, results from a G to C substitution at nucleotide position 1632. The lysine at codon 544 is replaced by asparagine, an amino acid with similar properties. This amino acid position is conserved. In addition, this alteration is predicted to be tolerated by in silico analysis. Based on the available evidence, the clinical significance of this variant remains unclear.

NM_006947.4(SRP72):c.1632G>C (p.Lys544Asn)

Gene: SRP72 (signal recognition particle 72; plus strand). Cytogenetic location: 4q12.
Variant type: single nucleotide variant.
Coding change: c.1632G>C on transcript NM_006947.4 (MANE Select); coding-DNA position 1632, G replaced by C.
Protein change: p.Lys544Asn; replaces lysine 544 with asparagine.
Molecular consequence: missense variant. On other transcripts: non-coding transcript variant (1).
Genome position (GRCh38, 1-based): chr4:56,491,560, G>C. VCF-style: chr4-56491560-G-C. GRCh37 (hg19) VCF-style: chr4-57357726-G-C.
Other names: c.1449G>C, p.Lys483Asn (NM_001267722.2); short protein forms K483N, K544N.
Identifiers: ClinVar variation 4865128 (VCV004865128.1).